The following is an entry in ClinVar:

NM_005751.5(AKAP9):c.3659G>C (p.Cys1220Ser)

Gene: AKAP9 (A-kinase anchoring protein 9; plus strand). Cytogenetic location: 7q21.2.
Variant type: single nucleotide variant.
Coding change: c.3659G>C on transcript NM_005751.5 (MANE Select); coding-DNA position 3659, G replaced by C.
Protein change: p.Cys1220Ser; replaces cysteine 1220 with serine.
Molecular consequence: missense variant.
Genome position (GRCh38, 1-based): chr7:92,016,175, G>C. VCF-style: chr7-92016175-G-C. GRCh37 (hg19) VCF-style: chr7-91645489-G-C.
Other names: c.3659G>C, p.Cys1220Ser (NM_147185.3); short protein forms C1220S.
Identifiers: ClinVar variation 3225048 (VCV003225048.1), dbSNP rs375200151, ClinGen allele CA4336365.

ClinVar aggregate classification (germline): Uncertain significance (1 of 4 stars; one submission).

Conditions:
Cardiovascular phenotype. Identifiers: MedGen CN230736.

Allele frequency attached by ClinVar (database versions not stated): TOPMed below 0.00001; gnomAD 0.00001; ESP Exome Variant Server 0.00008.
gnomAD v4.1: 4 of 1,600,236 alleles (0.00025%); highest among the groups gnomAD compares: Non-Finnish European, 0.000086%; no homozygotes.

Submission:

Ambry Genetics
Classification: Uncertain significance for Cardiovascular phenotype. Last evaluated: 2023-10-16. Review status: criteria provided, single submitter. Criteria: Ambry Variant Classification Scheme 2023. Collection method: clinical testing. Allele origin: germline.
Comment: The p.C1220S variant (also known as c.3659G>C), located in coding exon 11 of the AKAP9 gene, results from a G to C substitution at nucleotide position 3659. The cysteine at codon 1220 is replaced by serine, an amino acid with dissimilar properties. This amino acid position is well conserved in available vertebrate species. In addition, this alteration is predicted to be tolerated by in silico analysis. The evidence for this gene-disease relationship is limited; therefore, the clinical significance of this alteration is unclear.